The following is an entry in ClinVar:

NM_018249.6(CDK5RAP2):c.1668_1674del (p.Leu557fs)

Gene: CDK5RAP2 (CDK5 regulatory subunit associated protein 2; minus strand). Cytogenetic location: 9q33.2.
Variant type: Deletion.
Coding change: c.1668_1674del on transcript NM_018249.6 (MANE Select); coding-DNA positions 1668 to 1674, 7 bases deleted (CTTAAAG; older notation c.1668_1674delCTTAAAG).
Protein change: p.Leu557fs; shifts the reading frame from leucine 557.
Molecular consequence: frameshift variant. On other transcripts: non-coding transcript variant (5).
Genome position (GRCh38, 1-based): chr9:120,477,403-120,477,409, CTTTAAG deleted on the plus strand (CTTAAAG on the coding strand, the reverse complement: CDK5RAP2 is on the minus strand). VCF-style (leftmost placement, unchanged base first): chr9-120477402-TCTTTAAG-T. GRCh37 (hg19) VCF-style: chr9-123239680-TCTTTAAG-T.
Other names: c.1668_1674del, p.Leu557fs (NM_001011649.3, NM_001272039.2); c.1668_1674delCTTAAAG, p.Leu557Lysfs (NM_001410992.1, NM_001410993.1, NM_001410994.1); short protein forms L557fs.
Identifiers: ClinVar variation 2188880 (VCV002188880.4), dbSNP rs775170271, ClinGen allele CA5214315.

ClinVar aggregate classification (germline): Pathogenic (1 of 4 stars; one submission).

Allele frequency attached by ClinVar (database versions not stated): gnomAD 0.00001; gnomAD exomes 0.00001; TOPMed 0.00001; ExAC 0.00002.

Submission:

Labcorp Genetics (formerly Invitae), Labcorp
Classification: Pathogenic. Last evaluated: 2024-08-05. Review status: criteria provided, single submitter. Criteria: Invitae Variant Classification Sherloc (09022015). Collection method: clinical testing. Allele origin: germline.
Comment: This sequence change creates a premature translational stop signal (p.Leu557Lysfs*26) in the CDK5RAP2 gene. It is expected to result in an absent or disrupted protein product. Loss-of-function variants in CDK5RAP2 are known to be pathogenic (PMID: 15793586, 20460369, 26436113). This variant is present in population databases (rs775170271, gnomAD 0.003%). This variant has not been reported in the literature in individuals affected with CDK5RAP2-related conditions. ClinVar contains an entry for this variant (Variation ID: 2188880). For these reasons, this variant has been classified as Pathogenic.

Literature cited by the submitters: PubMed 15793586; PubMed 20460369; PubMed 26436113.